The following is an entry in ClinVar:

NM_000553.6(WRN):c.1898+6T>A

Gene: WRN (WRN RecQ like helicase; plus strand). Cytogenetic location: 8p12.
Variant type: single nucleotide variant.
Coding change: c.1898+6T>A on transcript NM_000553.6 (MANE Select); 6 bases into the intron after coding-DNA position 1898, T replaced by A.
Molecular consequence: intron variant.
Genome position (GRCh38, 1-based): chr8:31,091,904, T>A. VCF-style: chr8-31091904-T-A. GRCh37 (hg19) VCF-style: chr8-30949420-T-A.
Identifiers: ClinVar variation 956929 (VCV000956929.4), dbSNP rs1813761851, ClinGen allele CA1139660427.
Genomic context (GRCh38, chr8:31,091,904, plus strand): 5'-CAGCTTGCTTCCTTGGATCAGCACAGTCAGAAAATGTTCTAACAGATATTAAATTGTGAG[T>A]AATTTTTTTCCCTCAACTTTTATTTTGGATTTATGGGGGTGCATATGCAAGTTTGTTACG-3'

ClinVar aggregate classification (germline): Uncertain significance (1 of 4 stars; one submission).

Conditions:
Werner syndrome (WRN). Identifiers: Orphanet 902, MedGen C0043119, MONDO:0010196, OMIM 277700.

Allele frequency attached by ClinVar (database versions not stated): gnomAD exomes below 0.00001.
gnomAD v4.1: 4 of 1,612,662 alleles (0.00025%); highest among the groups gnomAD compares: Non-Finnish European, 0.00034%; no homozygotes.

Submission:

Labcorp Genetics (formerly Invitae), Labcorp
Classification: Uncertain significance for Werner syndrome. Last evaluated: 2022-11-29. Review status: criteria provided, single submitter. Criteria: Invitae Variant Classification Sherloc (09022015). Collection method: clinical testing. Allele origin: germline.
Comment: This sequence change falls in intron 16 of the WRN gene. It does not directly change the encoded amino acid sequence of the WRN protein. It affects a nucleotide within the consensus splice site. This variant is not present in population databases (gnomAD no frequency). This variant has not been reported in the literature in individuals affected with WRN-related conditions. ClinVar contains an entry for this variant (Variation ID: 956929). Variants that disrupt the consensus splice site are a relatively common cause of aberrant splicing (PMID: 17576681, 9536098). Algorithms developed to predict the effect of sequence changes on RNA splicing suggest that this variant may disrupt the consensus splice site. In summary, the available evidence is currently insufficient to determine the role of this variant in disease. Therefore, it has been classified as a Variant of Uncertain Significance.

Literature cited by the submitters: PubMed 17576681; PubMed 9536098.